The following is an entry in ClinVar:

NM_015151.4(DIP2A):c.3933G>A (p.Thr1311=)

Gene: DIP2A (disco interacting protein 2 homolog A; plus strand). Cytogenetic location: 21q22.3.
Variant type: single nucleotide variant.
Coding change: c.3933G>A on transcript NM_015151.4 (MANE Select); coding-DNA position 3933, G replaced by A.
Protein change: p.Thr1311=; no amino-acid change (threonine 1311 retained).
Molecular consequence: synonymous variant.
Genome position (GRCh38, 1-based): chr21:46,558,357, G>A. VCF-style: chr21-46558357-G-A. GRCh37 (hg19) VCF-style: chr21-47978270-G-A.
Other names: c.3921G>A, p.Thr1307= (NM_001146116.2); c.3936G>A, p.Thr1312= (NM_001353942.2); c.3933G>A, p.Thr1311= (NM_001353943.2, NM_001410751.1).
Identifiers: ClinVar variation 3034675 (VCV003034675.2), dbSNP rs776259531, ClinGen allele CA10082948.
Genomic context (GRCh38, chr21:46,558,357, plus strand): 5'-CCAGTCCTTCTCCAAGCTCTTCAAGGACCTGGGCCTGCCGGCCCGCGCCGTAAGCACCAC[G>A]TTCGGGTGCAGGGTCAACGTGGCCATCTGCCTCCAGGTGAGGTGCCTGGGGCTGCGGTTC-3'
Protein context (NP_055966.2, residues 1301-1321): LGLPARAVST[Thr1311=]FGCRVNVAIC

ClinVar aggregate classification (germline): Likely benign (0 of 4 stars; one submission).

Conditions:
DIP2A-related disorder. Also called: DIP2A-related condition.

Allele frequency attached by ClinVar (database versions not stated): ExAC 0.00008; TOPMed 0.00008; gnomAD 0.00012.
gnomAD v4.1: 139 of 1,604,296 alleles (0.0087%); highest among the groups gnomAD compares: African/African-American, 0.016%; no homozygotes.

Submission:

PreventionGenetics, part of Exact Sciences
Classification: Likely benign for DIP2A-related condition. Last evaluated: 2019-07-29. Review status: no assertion criteria provided. Collection method: clinical testing. Allele origin: germline.
Comment: This variant is classified as likely benign based on ACMG/AMP sequence variant interpretation guidelines (Richards et al. 2015 PMID: 25741868, with internal and published modifications).